The following is an entry in ClinVar:

NM_001204375.2(NPR3):c.821C>T (p.Ala274Val)

Gene: NPR3 (natriuretic peptide receptor 3; plus strand). Cytogenetic location: 5p13.3.
Variant type: single nucleotide variant.
Coding change: c.821C>T on transcript NM_001204375.2 (MANE Select); coding-DNA position 821, C replaced by T.
Protein change: p.Ala274Val; replaces alanine 274 with valine.
Molecular consequence: missense variant. On other transcripts: intron variant (1).
Genome position (GRCh38, 1-based): chr5:32,724,749, C>T. VCF-style: chr5-32724749-C-T. GRCh37 (hg19) VCF-style: chr5-32724855-C-T.
Other names: c.821C>T (NM_001204375.1); c.821C>T, p.Ala274Val (NM_000908.4); c.173C>T, p.Ala58Val (NM_001204376.2, NM_001363652.2); c.101C>T, p.Ala34Val (NM_001364458.2); c.121+13966C>T (NM_001364460.2); short protein forms A34V, A58V, A274V.
Identifiers: ClinVar variation 1461257 (VCV001461257.10), dbSNP rs374966067, ClinGen allele CA3222470.

ClinVar aggregate classification (germline): Uncertain significance. Review status: criteria provided, multiple submitters, no conflicts (2 of 4 stars). 3 submissions from 3 submitters: Uncertain significance (3). Last evaluated 2025-01-18.

Conditions:
Inborn genetic diseases. Identifiers: MedGen C0950123, MeSH D030342.

Allele frequency attached by ClinVar (database versions not stated): ExAC 0.00002; TOPMed 0.00003; gnomAD 0.00004; gnomAD exomes 0.00004; ESP Exome Variant Server 0.00008.
gnomAD v4.1: 88 of 1,613,716 alleles (0.0055%); highest among the groups gnomAD compares: East Asian, 0.013%; no homozygotes.

Submissions (3):

Ambry Genetics
Classification: Uncertain significance for Inborn genetic diseases. Last evaluated: 2025-01-18. Review status: criteria provided, single submitter. Criteria: Ambry Variant Classification Scheme 2023. Collection method: clinical testing. Allele origin: germline.

Labcorp Genetics (formerly Invitae), Labcorp
Classification: Uncertain significance. Last evaluated: 2024-11-05. Review status: criteria provided, single submitter. Criteria: Invitae Variant Classification Sherloc (09022015). Collection method: clinical testing. Allele origin: germline.
Comment: This sequence change replaces alanine, which is neutral and non-polar, with valine, which is neutral and non-polar, at codon 274 of the NPR3 protein (p.Ala274Val). This variant is present in population databases (rs374966067, gnomAD 0.006%). This variant has not been reported in the literature in individuals affected with NPR3-related conditions. ClinVar contains an entry for this variant (Variation ID: 1461257). An algorithm developed to predict the effect of missense changes on protein structure and function outputs the following: PolyPhen-2: "Benign". The valine amino acid residue is found in multiple mammalian species, which suggests that this missense change does not adversely affect protein function. In summary, the available evidence is currently insufficient to determine the role of this variant in disease. Therefore, it has been classified as a Variant of Uncertain Significance.

Breakthrough Genomics
Classification: Uncertain significance. Review status: criteria provided, single submitter. Criteria: ACMG Guidelines, 2015. Collection method: not provided. Allele origin: germline. Inheritance: Autosomal recessive inheritance. Affected: yes.